The following is an entry in ClinVar:

NM_001903.5(CTNNA1):c.2624A>G (p.Gln875Arg)

Gene: CTNNA1 (catenin alpha 1; plus strand). Cytogenetic location: 5q31.2.
Variant type: single nucleotide variant.
Coding change: c.2624A>G on transcript NM_001903.5 (MANE Select); coding-DNA position 2624, A replaced by G.
Protein change: p.Gln875Arg; replaces glutamine 875 with arginine.
Molecular consequence: missense variant. On other transcripts: 3 prime UTR variant (5).
Genome position (GRCh38, 1-based): chr5:138,933,992, A>G. VCF-style: chr5-138933992-A-G. GRCh37 (hg19) VCF-style: chr5-138269681-A-G.
Other names: c.*169A>G (NM_001290307.3, NM_001324002.1, NM_001324003.1 and 2 more transcripts); c.2315A>G, p.Gln772Arg (NM_001290309.3); c.2255A>G, p.Gln752Arg (NM_001290310.3); c.1514A>G, p.Gln505Arg (NM_001290312.1, NM_001323987.1, NM_001323988.1 and 12 more transcripts); c.2624A>G, p.Gln875Arg (NM_001323982.2, NM_001323983.1, NM_001323984.2); c.2597A>G, p.Gln866Arg (NM_001323985.2); c.2531A>G, p.Gln844Arg (NM_001323986.2); c.1379A>G, p.Gln460Arg (NM_001324001.1); and 3 more; short protein forms Q474R, Q772R, Q866R, Q460R, Q752R, Q392R, Q875R, Q424R.
Identifiers: ClinVar variation 1437841 (VCV001437841.6), dbSNP rs2150359859, ClinGen allele CA361135629.

ClinVar aggregate classification (germline): Uncertain significance (1 of 4 stars; one submission).

Submission:

Labcorp Genetics (formerly Invitae), Labcorp
Classification: Uncertain significance. Last evaluated: 2023-07-08. Review status: criteria provided, single submitter. Criteria: Invitae Variant Classification Sherloc (09022015). Collection method: clinical testing. Allele origin: germline.
Comment: This variant is not present in population databases (gnomAD no frequency). This sequence change replaces glutamine, which is neutral and polar, with arginine, which is basic and polar, at codon 875 of the CTNNA1 protein (p.Gln875Arg). This variant has not been reported in the literature in individuals affected with CTNNA1-related conditions. In summary, the available evidence is currently insufficient to determine the role of this variant in disease. Therefore, it has been classified as a Variant of Uncertain Significance. Advanced modeling of protein sequence and biophysical properties (such as structural, functional, and spatial information, amino acid conservation, physicochemical variation, residue mobility, and thermodynamic stability) has been performed at Invitae for this missense variant, however the output from this modeling did not meet the statistical confidence thresholds required to predict the impact of this variant on CTNNA1 protein function. ClinVar contains an entry for this variant (Variation ID: 1437841).